The following is an entry in ClinVar:

ClinVar aggregate classification (germline): Uncertain significance (1 of 4 stars; one submission).

Conditions:
Inborn genetic diseases. Identifiers: MedGen C0950123, MeSH D030342.

gnomAD v4.1: 4 of 1,605,104 alleles (0.00025%); highest among the groups gnomAD compares: African/African-American, 0.0013%; no homozygotes.

Submission:

Ambry Genetics
Classification: Uncertain significance for Inborn genetic diseases. Last evaluated: 2025-11-08. Review status: criteria provided, single submitter. Criteria: Ambry Variant Classification Scheme 2023. Collection method: clinical testing. Allele origin: germline.
Comment: The c.1151T>C (p.L384P) alteration is located in exon 12 (coding exon 12) of the KCNT2 gene. This alteration results from a T to C substitution at nucleotide position 1151, causing the leucine (L) at amino acid position 384 to be replaced by a proline (P). Based on data from gnomAD, the C allele has an overall frequency of <0.001% (1/243712) total alleles studied. The highest observed frequency was 0.001% (1/109928) of European (non-Finnish) alleles. Based on insufficient or conflicting evidence, the clinical significance of this alteration remains unclear.

NM_198503.5(KCNT2):c.1151T>C (p.Leu384Pro)

Gene: KCNT2 (potassium sodium-activated channel subfamily T member 2; minus strand). Cytogenetic location: 1q31.3.
Variant type: single nucleotide variant.
Coding change: c.1151T>C on transcript NM_198503.5 (MANE Select); coding-DNA position 1151, T replaced by C.
Protein change: p.Leu384Pro; replaces leucine 384 with proline.
Molecular consequence: missense variant. On other transcripts: non-coding transcript variant (2).
Genome position (GRCh38, 1-based): chr1:196,423,084, A>G on the plus strand (T>C on the coding strand, the complement: KCNT2 is on the minus strand). VCF-style: chr1-196423084-A-G. GRCh37 (hg19) VCF-style: chr1-196392214-A-G.
Other names: c.1151T>C, p.Leu384Pro (NM_001287819.3, NM_001287820.3); short protein forms L384P.
Identifiers: ClinVar variation 4622594 (VCV004622594.1).